The following is an entry in ClinVar:

NM_004999.4(MYO6):c.3505C>T (p.Arg1169Cys)

Gene: MYO6 (myosin VI; plus strand). Cytogenetic location: 6q14.1.
Variant type: single nucleotide variant.
Coding change: c.3505C>T on transcript NM_004999.4 (MANE Select); coding-DNA position 3505, C replaced by T.
Protein change: p.Arg1169Cys; replaces arginine 1169 with cysteine.
Molecular consequence: missense variant. On other transcripts: non-coding transcript variant (1).
Genome position (GRCh38, 1-based): chr6:75,914,128, C>T. VCF-style: chr6-75914128-C-T. GRCh37 (hg19) VCF-style: chr6-76623845-C-T.
Other names: c.3436C>T, p.Arg1146Cys (NM_001300899.2); c.3409C>T, p.Arg1137Cys (NM_001368136.1); c.3466C>T, p.Arg1156Cys (NM_001368137.1); c.3421C>T, p.Arg1141Cys (NM_001368138.1); c.3532C>T, p.Arg1178Cys (NM_001368865.1); c.3505C>T, p.Arg1169Cys (NM_001368866.1); short protein forms R1169C, R1141C, R1178C, R1137C, R1156C, R1146C.
Identifiers: ClinVar variation 164647 (VCV000164647.4), dbSNP rs144006872, ClinGen allele CA177362.
Genomic context (GRCh38, chr6:75,914,128, plus strand): 5'-CAAAACCCAGCAGCTCAGATTCCTGCCAGGCAGCGGGAGATTGAAATGAACCGACAGCAA[C>T]GCTTCTTCCGCATCCCATTCATCCGCCCTGCCGACCAGTACAAAGACCCTCAGAGTAAGA-3'
Protein context (NP_004990.3, residues 1159-1179): QREIEMNRQQ[Arg1169Cys]FFRIPFIRPA

ClinVar aggregate classification (germline): Uncertain significance (1 of 4 stars; one submission).

Allele frequency attached by ClinVar (database versions not stated): gnomAD 0.00002 and 0.00006; ExAC 0.00002; TOPMed 0.00001; gnomAD exomes 0.00002; ESP Exome Variant Server 0.00008.
gnomAD v4.1: 32 of 1,614,010 alleles (0.002%); highest among the groups gnomAD compares: Admixed American, 0.0083%; no homozygotes.

Submission:

Laboratory for Molecular Medicine, Mass General Brigham Personalized Medicine
Classification: Uncertain significance. Last evaluated: 2013-10-05. Review status: criteria provided, single submitter. Criteria: LMM Criteria. Collection method: clinical testing. Allele origin: germline. Observed: 2 variant alleles.
Comment: The p.Arg1169Cys variant in MYO6 has not been reported in individuals with heari ng loss, but has been identified in 2/66732 of European chromosomes by the Exome Aggregation Consortium (ExAC; dbSNP rs144006872 ). Although this variant has been seen in the general population, its frequency is not high enough to rule out a pathogenic role. Computational prediction tools and conservation analysis suggest that the p.Arg1169Cys variant may impact the protein, though this information is not predictive enough to determine pathogeni city. In summary, the clinical significance of the p.Arg1169Cys variant is uncer tain.